The following is an entry in ClinVar:

NM_003482.4(KMT2D):c.6945C>G (p.His2315Gln)

Gene: KMT2D (lysine methyltransferase 2D; minus strand). Cytogenetic location: 12q13.12.
Variant type: single nucleotide variant.
Coding change: c.6945C>G on transcript NM_003482.4 (MANE Select); coding-DNA position 6945, C replaced by G.
Protein change: p.His2315Gln; replaces histidine 2315 with glutamine.
Molecular consequence: missense variant.
Genome position (GRCh38, 1-based): chr12:49,040,825, G>C on the plus strand (C>G on the coding strand, the complement: KMT2D is on the minus strand). VCF-style: chr12-49040825-G-C. GRCh37 (hg19) VCF-style: chr12-49434608-G-C.
Other names: short protein forms H2315Q.
Identifiers: ClinVar variation 944712 (VCV000944712.11), dbSNP rs764686162, ClinGen allele CA6547153.

ClinVar aggregate classification (germline): Conflicting classifications of pathogenicity. Review status: criteria provided, conflicting classifications (1 of 4 stars). 2 submissions from 2 submitters: Uncertain significance (1); Likely benign (1). Last evaluated 2026-01-12.

Conditions:
Kabuki syndrome. Also called: NIIKAWA-KUROKI SYNDROME; Kabuki make-up syndrome. Identifiers: Orphanet 2322, MedGen C0796004, MONDO:0016512.

Allele frequency attached by ClinVar (database versions not stated): gnomAD exomes 0.00002; ExAC 0.00003; TOPMed 0.00009; gnomAD 0.00011 and 0.00015.
gnomAD v4.1: 19 of 1,613,674 alleles (0.0012%); highest among the groups gnomAD compares: African/African-American, 0.025%; no homozygotes.

Submissions (2):

GeneDx
Classification: Uncertain significance. Last evaluated: 2026-01-12. Review status: criteria provided, single submitter. Criteria: GeneDx Variant Classification Process June 2021. Collection method: clinical testing. Allele origin: germline. Affected: yes.
Comment: In silico analysis supports that this missense variant does not alter protein structure/function; Has not been previously published as pathogenic or benign to our knowledge; This variant is associated with the following publications: (PMID: 31925297)

Labcorp Genetics (formerly Invitae), Labcorp
Classification: Likely benign for Kabuki syndrome. Last evaluated: 2025-03-04. Review status: criteria provided, single submitter. Criteria: Invitae Variant Classification Sherloc (09022015). Collection method: clinical testing. Allele origin: germline.